The following is an entry in ClinVar:

ClinVar aggregate classification (germline): Uncertain significance (1 of 4 stars; one submission).

Conditions:
Desmin-related myofibrillar myopathy (MFM1). Also called: Desminopathy; Desmin related myopathy (former name); Desmin storage myopathy (former name); DESMIN-RELATED MYOPATHY WITH ARRHYTHMOGENIC RIGHT VENTRICULAR CARDIOMYOPATHY; MYOFIBRILLAR MYOPATHY WITH ARRHYTHMOGENIC RIGHT VENTRICULAR CARDIOMYOPATHY; Myofibrillar myopathy 1. Identifiers: Orphanet 363543, Orphanet 98909, MedGen C1832370, MONDO:0011076, OMIM 601419.

Submission:

Labcorp Genetics (formerly Invitae), Labcorp
Classification: Uncertain significance for Desmin-related myofibrillar myopathy. Last evaluated: 2022-02-21. Review status: criteria provided, single submitter. Criteria: Invitae Variant Classification Sherloc (09022015). Collection method: clinical testing. Allele origin: germline.
Comment: This variant is not present in population databases (gnomAD no frequency). In summary, the available evidence is currently insufficient to determine the role of this variant in disease. Therefore, it has been classified as a Variant of Uncertain Significance. Algorithms developed to predict the effect of missense changes on protein structure and function are either unavailable or do not agree on the potential impact of this missense change (SIFT: "Tolerated"; PolyPhen-2: "Possibly Damaging"; Align-GVGD: "Class C0"). This variant has not been reported in the literature in individuals affected with DES-related conditions. This sequence change replaces threonine, which is neutral and polar, with proline, which is neutral and non-polar, at codon 17 of the DES protein (p.Thr17Pro).

NM_001927.4(DES):c.49A>C (p.Thr17Pro)

Gene: DES (desmin; plus strand). Cytogenetic location: 2q35.
Variant type: single nucleotide variant.
Coding change: c.49A>C on transcript NM_001927.4 (MANE Select); coding-DNA position 49, A replaced by C.
Protein change: p.Thr17Pro; replaces threonine 17 with proline.
Molecular consequence: missense variant.
Genome position (GRCh38, 1-based): chr2:219,418,511, A>C. VCF-style: chr2-219418511-A-C. GRCh37 (hg19) VCF-style: chr2-220283233-A-C.
Other names: c.49A>C, p.Thr17Pro (NM_001382708.1, NM_001382709.1, NM_001382710.1 and 3 more transcripts); short protein forms T17P.
Identifiers: ClinVar variation 2100776 (VCV002100776.4), dbSNP rs1342928312, ClinGen allele CA350682368.